The following is an entry in ClinVar:

NM_007194.4(CHEK2):c.714C>G (p.Phe238Leu)

Gene: CHEK2 (checkpoint kinase 2; minus strand). Cytogenetic location: 22q12.1.
Variant type: single nucleotide variant.
Coding change: c.714C>G on transcript NM_007194.4 (MANE Select); coding-DNA position 714, C replaced by G.
Protein change: p.Phe238Leu; replaces phenylalanine 238 with leucine.
Molecular consequence: missense variant.
Genome position (GRCh38, 1-based): chr22:28,711,987, G>C on the plus strand (C>G on the coding strand, the complement: CHEK2 is on the minus strand). VCF-style: chr22-28711987-G-C. GRCh37 (hg19) VCF-style: chr22-29107975-G-C.
Other names: c.843C>G, p.Phe281Leu (NM_001005735.3); c.51C>G, p.Phe17Leu (NM_001257387.3); c.513C>G, p.Phe171Leu (NM_001349956.3); c.714C>G, p.Phe238Leu (NM_145862.3); short protein forms F281L, F17L, F171L, F238L.
Identifiers: ClinVar variation 1508003 (VCV001508003.11), dbSNP rs864622322, ClinGen allele CA411103397.

ClinVar aggregate classification (germline): Uncertain significance. Review status: criteria provided, multiple submitters, no conflicts (2 of 4 stars). 2 submissions from 2 submitters: Uncertain significance (2). Last evaluated 2025-11-24.

Conditions:
Hereditary cancer-predisposing syndrome. Also called: Hereditary neoplastic syndrome; Neoplastic Syndromes, Hereditary; Tumor predisposition; Hereditary Cancer Syndrome. Identifiers: Orphanet 140162, MedGen C0027672, MeSH D009386, MONDO:0015356.
Familial cancer of breast. Also called: hereditary breast carcinoma; Hereditary breast cancer; BREAST CANCER, FAMILIAL. Identifiers: Orphanet 227535, MedGen C0346153, MONDO:0016419, OMIM 114480. Disease mechanism: loss of function.

gnomAD v4.1: 2 of 1,613,470 alleles (0.00012%); highest among the groups gnomAD compares: South Asian, 0.0011%; no homozygotes.

Submissions (2):

Ambry Genetics
Classification: Uncertain significance for Hereditary cancer-predisposing syndrome. Last evaluated: 2025-11-24. Review status: criteria provided, single submitter. Criteria: Ambry Variant Classification Scheme 2023. Collection method: clinical testing. Allele origin: germline.
Comment: The p.F238L variant (also known as c.714C>G), located in coding exon 5 of the CHEK2 gene, results from a C to G substitution at nucleotide position 714. The phenylalanine at codon 238 is replaced by leucine, an amino acid with highly similar properties. This amino acid position is highly conserved in available vertebrate species. In addition, this alteration is predicted to be tolerated by in silico analysis. Since supporting evidence is limited at this time, the clinical significance of this alteration remains unclear.

Labcorp Genetics (formerly Invitae), Labcorp
Classification: Uncertain significance for Familial cancer of breast. Last evaluated: 2024-07-30. Review status: criteria provided, single submitter. Criteria: Invitae Variant Classification Sherloc (09022015). Collection method: clinical testing. Allele origin: germline.
Comment: This sequence change replaces phenylalanine, which is neutral and non-polar, with leucine, which is neutral and non-polar, at codon 238 of the CHEK2 protein (p.Phe238Leu). This variant is not present in population databases (gnomAD no frequency). This variant has not been reported in the literature in individuals affected with CHEK2-related conditions. ClinVar contains an entry for this variant (Variation ID: 1508003). An algorithm developed to predict the effect of missense changes on protein structure and function (PolyPhen-2) suggests that this variant is likely to be disruptive. In summary, the available evidence is currently insufficient to determine the role of this variant in disease. Therefore, it has been classified as a Variant of Uncertain Significance.